The following is an entry in ClinVar:

ClinVar aggregate classification (germline): Benign (1 of 4 stars; one submission).

gnomAD v4.1: 16,708 of 1,612,010 alleles (1%); highest among the groups gnomAD compares: Non-Finnish European, 1.2%; 106 homozygotes.

Submission:

CeGaT Center for Human Genetics Tuebingen
Classification: Benign. Last evaluated: 2026-09-01. Review status: criteria provided, single submitter. Criteria: CeGaT Center For Human Genetics Tuebingen Variant Classification Criteria Version 2. Collection method: clinical testing. Allele origin: germline. Affected: yes. Observed: 1 variant allele.
Comment: KRTAP10-9: BP4, BS1, BS2

NM_198690.3(KRTAP10-9):c.724G>A (p.Ala242Thr)

Genes: KRTAP10-9 (keratin associated protein 10-9; plus strand), TSPEAR (thrombospondin type laminin G domain and EAR repeats; minus strand). Cytogenetic location: 21q22.3.
Variant type: single nucleotide variant.
Coding change: c.724G>A on transcript NM_198690.3 (MANE Select); coding-DNA position 724, G replaced by A.
Protein change: p.Ala242Thr; replaces alanine 242 with threonine.
Molecular consequence: missense variant. On other transcripts: intron variant (2).
Genome position (GRCh38, 1-based): chr21:44,627,895, G>A. VCF-style: chr21-44627895-G-A. GRCh37 (hg19) VCF-style: chr21-46047812-G-A.
Other names: c.83-59890C>T (NM_144991.3); c.-122-59890C>T (NM_001272037.2); short protein forms A242T.
Identifiers: ClinVar variation 5040792 (VCV005040792.1).
Genomic context (GRCh38, chr21:44,627,895, plus strand): 5'-ACCTCCTGCTGCAGACCCTCCTCCTCTGTGTCCCTCCTCTGCCGCCCTGTGTGCAGGCCC[G>A]CCTGCTGCGTGCCCGTCTCCTCCTGCTGTGCCCCCACCTCCTCCCGCCAGCCCAGCTATT-3'
Protein context (NP_941963.2, residues 232-252): SLLCRPVCRP[Ala242Thr]CCVPVSSCCA